The following is an entry in ClinVar:

ClinVar aggregate classification (germline): Uncertain significance (1 of 4 stars; one submission).

Submission:

Labcorp Genetics (formerly Invitae), Labcorp
Classification: Uncertain significance. Last evaluated: 2021-10-07. Review status: criteria provided, single submitter. Criteria: Invitae Variant Classification Sherloc (09022015). Collection method: clinical testing. Allele origin: germline.
Comment: This variant has not been reported in the literature in individuals affected with ADAMTS17-related conditions. This variant is not present in population databases (ExAC no frequency). This sequence change replaces histidine with tyrosine at codon 763 of the ADAMTS17 protein (p.His763Tyr). The histidine residue is highly conserved and there is a moderate physicochemical difference between histidine and tyrosine. In summary, the available evidence is currently insufficient to determine the role of this variant in disease. Therefore, it has been classified as a Variant of Uncertain Significance. Algorithms developed to predict the effect of missense changes on protein structure and function output the following: SIFT: "Not Available"; PolyPhen-2: "Probably Damaging"; Align-GVGD: "Not Available". The tyrosine amino acid residue is found in multiple mammalian species, which suggests that this missense change does not adversely affect protein function.

NM_139057.4(ADAMTS17):c.2287C>T (p.His763Tyr)

Gene: ADAMTS17 (ADAM metallopeptidase with thrombospondin type 1 motif 17; minus strand). Cytogenetic location: 15q26.3.
Variant type: single nucleotide variant.
Coding change: c.2287C>T on transcript NM_139057.4 (MANE Select); coding-DNA position 2287, C replaced by T.
Protein change: p.His763Tyr; replaces histidine 763 with tyrosine.
Molecular consequence: missense variant.
Genome position (GRCh38, 1-based): chr15:100,053,905, G>A on the plus strand (C>T on the coding strand, the complement: ADAMTS17 is on the minus strand). VCF-style: chr15-100053905-G-A. GRCh37 (hg19) VCF-style: chr15-100594110-G-A.
Other names: short protein forms H763Y.
Identifiers: ClinVar variation 1385062 (VCV001385062.6), dbSNP rs748415243, ClinGen allele CA393693626.